The following is an entry in ClinVar:

ClinVar aggregate classification (germline): Likely benign. Review status: criteria provided, single submitter (1 of 4 stars). 2 submissions from 2 submitters: Likely benign (1). 1 of the submissions does not count toward it.

Conditions:
NAV2-related disorder. Also called: NAV2-related condition.

Allele frequency attached by ClinVar (database versions not stated): ESP Exome Variant Server 0.00008; ExAC 0.00017; gnomAD exomes 0.00026; gnomAD 0.00030; TOPMed 0.00039; 1000 Genomes Project 30x 0.00047; 1000 Genomes Project 0.00060.
gnomAD v4.1: 435 of 1,614,128 alleles (0.027%); highest among the groups gnomAD compares: Admixed American, 0.048%; 1 homozygote.

Submissions (2):

Breakthrough Genomics
Classification: Likely benign. Review status: criteria provided, single submitter. Criteria: ACMG Guidelines, 2015. Collection method: not provided. Allele origin: germline. Inheritance: Unknown mechanism. Affected: yes.

PreventionGenetics, part of Exact Sciences
Classification: Likely benign for NAV2-related condition. Last evaluated: 2019-11-05. Review status: no assertion criteria provided. Collection method: clinical testing. Allele origin: germline. Not counted in ClinVar's aggregate classification.
Comment: This variant is classified as likely benign based on ACMG/AMP sequence variant interpretation guidelines (Richards et al. 2015 PMID: 25741868, with internal and published modifications).

NM_145117.5(NAV2):c.5022C>T (p.Asn1674=)

Gene: NAV2 (neuron navigator 2; plus strand). Cytogenetic location: 11p15.1.
Variant type: single nucleotide variant.
Coding change: c.5022C>T on transcript NM_145117.5 (MANE Select); coding-DNA position 5022, C replaced by T.
Protein change: p.Asn1674=; no amino-acid change (asparagine 1674 retained).
Molecular consequence: synonymous variant.
Genome position (GRCh38, 1-based): chr11:20,077,590, C>T. VCF-style: chr11-20077590-C-T. GRCh37 (hg19) VCF-style: chr11-20099136-C-T.
Other names: c.4830C>T, p.Asn1610= (NM_001111018.2); c.2214C>T, p.Asn738= (NM_001111019.3); c.5190C>T, p.Asn1730= (NM_001244963.2); c.5022C>T, p.Asn1674= (NM_182964.6).
Identifiers: ClinVar variation 3050828 (VCV003050828.3), dbSNP rs138374787, ClinGen allele CA5918943.